The following is an entry in ClinVar:

NM_007294.4(BRCA1):c.1485G>T (p.Glu495Asp)

Gene: BRCA1 (BRCA1 DNA repair associated; minus strand). Cytogenetic location: 17q21.31.
Variant type: single nucleotide variant.
Coding change: c.1485G>T on transcript NM_007294.4 (MANE Select); coding-DNA position 1485, G replaced by T.
Protein change: p.Glu495Asp; replaces glutamic acid 495 with aspartic acid.
Molecular consequence: missense variant. On other transcripts: intron variant (137).
Genome position (GRCh38, 1-based): chr17:43,094,046, C>A on the plus strand (G>T on the coding strand, the complement: BRCA1 is on the minus strand). VCF-style: chr17-43094046-C-A. GRCh37 (hg19) VCF-style: chr17-41246063-C-A.
Other names: c.1272G>T, p.Glu424Asp (NM_001407571.1, NM_001407853.1, NM_001407894.1 and 9 more transcripts); c.1485G>T, p.Glu495Asp (NM_001407581.1, NM_001407582.1, NM_001407583.1 and 30 more transcripts); c.1482G>T, p.Glu494Asp (NM_001407587.1, NM_001407590.1, NM_001407591.1 and 22 more transcripts); c.1476G>T, p.Glu492Asp (NM_001407646.1, NM_001407647.1); c.1362G>T, p.Glu454Asp (NM_001407648.1, NM_001407664.1, NM_001407665.1 and 19 more transcripts); c.1359G>T, p.Glu453Asp (NM_001407649.1, NM_001407670.1, NM_001407671.1 and 11 more transcripts); c.1407G>T, p.Glu469Asp (NM_001407653.1, NM_001407654.1, NM_001407655.1 and 4 more transcripts); c.1404G>T, p.Glu468Asp (NM_001407659.1, NM_001407660.1, NM_001407661.1 and 1 more transcripts); and 40 more; short protein forms E199D, E327D, E406D, E427D, E448D, E494D, E383D, E425D.
Identifiers: ClinVar variation 1773660 (VCV001773660.4), dbSNP rs2154443476, ClinGen allele CA10599074.

ClinVar aggregate classification (germline): Conflicting classifications of pathogenicity. Review status: criteria provided, conflicting classifications (1 of 4 stars). 2 submissions from 2 submitters: Uncertain significance (1); Likely benign (1). Last evaluated 2023-03-23.

Conditions:
Hereditary cancer-predisposing syndrome. Also called: Hereditary Cancer Syndrome; Hereditary neoplastic syndrome; Neoplastic Syndromes, Hereditary; Tumor predisposition. Identifiers: Orphanet 140162, MedGen C0027672, MeSH D009386, MONDO:0015356.

Submissions (2):

University of Washington Department of Laboratory Medicine, University of Washington
Classification: Likely benign for Hereditary cancer-predisposing syndrome. Last evaluated: 2023-03-23. Review status: criteria provided, single submitter. Criteria: Dines et al. (Genet Med. 2020). Collection method: curation. Allele origin: germline.
Comment: Missense variant in a coldspot region where missense variants are very unlikely to be pathogenic (PMID:31911673).

BRCA1 coldspot (exon 11 using historical exon numbering). Reclassification based on statistical prior probability

Ambry Genetics
Classification: Uncertain significance for Hereditary cancer-predisposing syndrome. Last evaluated: 2021-03-15. Review status: criteria provided, single submitter. Criteria: Ambry Variant Classification Scheme 2023. Collection method: clinical testing. Allele origin: germline.
Comment: The p.E495D variant (also known as c.1485G>T), located in coding exon 9 of the BRCA1 gene, results from a G to T substitution at nucleotide position 1485. The glutamic acid at codon 495 is replaced by aspartic acid, an amino acid with highly similar properties. This amino acid position is well conserved in available vertebrate species. In addition, the in silico prediction for this alteration is inconclusive. Since supporting evidence is limited at this time, the clinical significance of this alteration remains unclear.